The following is an entry in ClinVar:

ClinVar aggregate classification (germline): Uncertain significance (1 of 4 stars; one submission).

Conditions:
Autoimmune interstitial lung disease-arthritis syndrome. Also called: Autoinflammation and autoimmunity, systemic, with immune dysregulation. Identifiers: Orphanet 444092, MedGen C5975714, MONDO:0014629.

Submission:

Labcorp Genetics (formerly Invitae), Labcorp
Classification: Uncertain significance for Autoimmune interstitial lung disease-arthritis syndrome. Last evaluated: 2026-01-19. Review status: criteria provided, single submitter. Criteria: Invitae Variant Classification Sherloc (09022015). Collection method: clinical testing. Allele origin: germline.
Comment: This sequence change replaces arginine, which is basic and polar, with lysine, which is basic and polar, at codon 168 of the COPA protein (p.Arg168Lys). This variant is not present in population databases (gnomAD no frequency). This variant has not been reported in the literature in individuals affected with COPA-related conditions. Invitae Evidence Modeling of protein sequence and biophysical properties (such as structural, functional, and spatial information, amino acid conservation, physicochemical variation, residue mobility, and thermodynamic stability) indicates that this missense variant is not expected to disrupt COPA protein function with a negative predictive value of 80%. In summary, the available evidence is currently insufficient to determine the role of this variant in disease. Therefore, it has been classified as a Variant of Uncertain Significance.

NM_004371.4(COPA):c.503G>A (p.Arg168Lys)

Gene: COPA (coat protein complex I subunit alpha; minus strand). Cytogenetic location: 1q23.2.
Variant type: single nucleotide variant.
Coding change: c.503G>A on transcript NM_004371.4 (MANE Select); coding-DNA position 503, G replaced by A.
Protein change: p.Arg168Lys; replaces arginine 168 with lysine.
Molecular consequence: missense variant.
Genome position (GRCh38, 1-based): chr1:160,325,646, C>T on the plus strand (G>A on the coding strand, the complement: COPA is on the minus strand). VCF-style: chr1-160325646-C-T. GRCh37 (hg19) VCF-style: chr1-160295436-C-T.
Other names: c.503G>A, p.Arg168Lys (NM_001098398.2); short protein forms R168K.
Identifiers: ClinVar variation 4744800 (VCV004744800.1).